The following is an entry in ClinVar:

ClinVar aggregate classification (germline): Uncertain significance (1 of 4 stars; one submission).

Allele frequency attached by ClinVar (database versions not stated): gnomAD exomes below 0.00001.
gnomAD v4.1: 3 of 1,609,364 alleles (0.00019%); highest among the groups gnomAD compares: Non-Finnish European, 0.00025%; no homozygotes.

Submission:

GeneDx
Classification: Uncertain significance. Last evaluated: 2024-03-05. Review status: criteria provided, single submitter. Criteria: GeneDx Variant Classification Process June 2021. Collection method: clinical testing. Allele origin: germline. Affected: yes.
Comment: Not observed at significant frequency in large population cohorts (gnomAD); In silico analysis supports that this missense variant has a deleterious effect on protein structure/function; Has not been previously published as pathogenic or benign to our knowledge

NM_001256627.2(BRSK2):c.383C>T (p.Ala128Val)

Gene: BRSK2 (BR serine/threonine kinase 2; plus strand). Cytogenetic location: 11p15.5.
Variant type: single nucleotide variant.
Coding change: c.383C>T on transcript NM_001256627.2 (MANE Select); coding-DNA position 383, C replaced by T.
Protein change: p.Ala128Val; replaces alanine 128 with valine.
Molecular consequence: missense variant. On other transcripts: non-coding transcript variant (1).
Genome position (GRCh38, 1-based): chr11:1,440,898, C>T. VCF-style: chr11-1440898-C-T. GRCh37 (hg19) VCF-style: chr11-1462128-C-T.
Other names: c.383C>T, p.Ala128Val (NM_001256629.2, NM_003957.4); c.521C>T, p.Ala174Val (NM_001256630.1); c.203C>T, p.Ala68Val (NM_001282218.2); short protein forms A128V, A174V, A68V.
Identifiers: ClinVar variation 3252863 (VCV003252863.1), dbSNP rs2539431510.